The following is an entry in ClinVar:

NM_000257.4(MYH7):c.3149G>A (p.Arg1050Gln)

Gene: MYH7 (myosin heavy chain 7; minus strand). Cytogenetic location: 14q11.2.
Variant type: single nucleotide variant.
Coding change: c.3149G>A on transcript NM_000257.4 (MANE Select); coding-DNA position 3149, G replaced by A.
Protein change: p.Arg1050Gln; replaces arginine 1050 with glutamine.
Molecular consequence: missense variant.
Genome position (GRCh38, 1-based): chr14:23,422,276, C>T on the plus strand (G>A on the coding strand, the complement: MYH7 is on the minus strand). VCF-style: chr14-23422276-C-T. GRCh37 (hg19) VCF-style: chr14-23891485-C-T.
Other names: c.3149G>A (LRG_384t1); short protein forms R1050Q.
Identifiers: ClinVar variation 626816 (VCV000626816.9), dbSNP rs759579652, ClinGen allele CA389045372.

ClinVar aggregate classification (germline): Uncertain significance. Review status: criteria provided, multiple submitters, no conflicts (2 of 4 stars). 5 submissions from 5 submitters: Uncertain significance (5). Last evaluated 2025-12-01.

Conditions:
Cardiovascular phenotype. Identifiers: MedGen CN230736.
Hypertrophic cardiomyopathy. Also called: HYPERTROPHIC MYOCARDIOPATHY. Identifiers: Orphanet 217569, MedGen C0007194, MeSH D002312, MONDO:0005045, HP:0001639.
Cardiomyopathy (CMYO). Also called: Cardiomyopathies. Identifiers: Orphanet 167848, MedGen C0878544, MONDO:0004994, HP:0001638. Inheritance: Various modes of inheritance.

gnomAD v4.1: 1 of 1,614,134 alleles (0.000062%); highest among the groups gnomAD compares: Non-Finnish European, 0.000085%; no homozygotes.

Submissions (5):

Labcorp Genetics (formerly Invitae), Labcorp
Classification: Uncertain significance for Hypertrophic cardiomyopathy. Last evaluated: 2025-12-01. Review status: criteria provided, single submitter. Criteria: Invitae Variant Classification Sherloc (09022015). Collection method: clinical testing. Allele origin: germline.
Comment: This sequence change replaces arginine, which is basic and polar, with glutamine, which is neutral and polar, at codon 1050 of the MYH7 protein (p.Arg1050Gln). This variant is not present in population databases (gnomAD no frequency). This missense change has been observed in individual(s) with dilated cardiomyopathy, left ventricular noncompaction and/or hypertrophic cardiomyopathy (PMID: 25132132, 32969603, 35838873). ClinVar contains an entry for this variant (Variation ID: 626816). Invitae Evidence Modeling of protein sequence and biophysical properties (such as structural, functional, and spatial information, amino acid conservation, physicochemical variation, residue mobility, and thermodynamic stability) indicates that this missense variant is expected to disrupt MYH7 protein function with a positive predictive value of 95%. In summary, the available evidence is currently insufficient to determine the role of this variant in disease. Therefore, it has been classified as a Variant of Uncertain Significance.

Ambry Genetics
Classification: Uncertain significance for Cardiovascular phenotype. Last evaluated: 2025-11-26. Review status: criteria provided, single submitter. Criteria: Ambry Variant Classification Scheme 2023. Collection method: clinical testing. Allele origin: germline.
Comment: The p.R1050Q variant (also known as c.3149G>A), located in coding exon 23 of the MYH7 gene, results from a G to A substitution at nucleotide position 3149. The arginine at codon 1050 is replaced by glutamine, an amino acid with highly similar properties. This variant was reported in individual(s) with variable cardiomyopathy phenotypes, including hypertrophic cardiomyopathy, dilated cardiomyopathy, and left ventricular noncompaction (Wang J et al. Eur J Heart Fail, 2014 Sep;16:950-7; Daoud H et al. J Mol Diagn, 2019 May;21:437-448; Carnevale A et al. Mol Genet Genomic Med, 2020 Nov;8:e1504; Pua CJ et al. Circ Genom Precis Med, 2020 Oct;13:424-434; Janin A et al. Mol Diagn Ther, 2021 May;25:373-385; Janin A et al. Mol Diagn Ther, 2022 Sep;26:551-560; Murphy J et al. Ir J Med Sci, 2024 Aug;193:1775-1785). This amino acid position is highly conserved in available vertebrate species. In addition, this alteration is predicted to be deleterious by in silico analysis. Based on the available evidence, the clinical significance of this variant remains unclear.

All of Us Research Program, National Institutes of Health
Classification: Uncertain significance for Cardiomyopathy. Last evaluated: 2024-03-05. Review status: criteria provided, single submitter. Criteria: ACMG Guidelines, 2015. Collection method: clinical testing. Allele origin: germline. Inheritance: Autosomal dominant inheritance. Observed: 1 variant allele, 1 heterozygote.
Comment: This study involves interpretation of variants in research participants for the purpose of population health screening. Participant phenotype was not available at the time of variant classification. Additional details can be found in publication PMID: 35346344, PMCID: PMC8962531

Blueprint Genetics
Classification: Uncertain significance. Last evaluated: 2018-07-15. Review status: criteria provided, single submitter. Criteria: ACMG Guidelines, 2015. Collection method: clinical testing. Allele origin: germline.

CHEO Genetics Diagnostic Laboratory, Children's Hospital of Eastern Ontario
Classification: Uncertain significance for Cardiomyopathy. Last evaluated: 2015-11-16. Review status: criteria provided, single submitter. Criteria: ACMG Guidelines, 2015. Collection method: clinical testing. Allele origin: germline. Study: Canadian Open Genetics Repository.

Literature cited by the submitters: PubMed 25132132 (cited by Labcorp Genetics (formerly Invitae), Labcorp and Ambry Genetics); PubMed 32969603 (cited by Labcorp Genetics (formerly Invitae), Labcorp and Ambry Genetics); PubMed 35838873 (cited by Labcorp Genetics (formerly Invitae), Labcorp and Ambry Genetics); PubMed 30731207 (cited by Ambry Genetics); PubMed 32815737 (cited by Ambry Genetics); PubMed 33954932 (cited by Ambry Genetics); PubMed 38489124 (cited by Ambry Genetics).